The following is an entry in ClinVar:

NM_004656.4(BAP1):c.2164C>G (p.Arg722Gly)

Gene: BAP1 (BRCA1 associated deubiquitinase 1; minus strand). Cytogenetic location: 3p21.1.
Variant type: single nucleotide variant.
Coding change: c.2164C>G on transcript NM_004656.4 (MANE Select); coding-DNA position 2164, C replaced by G.
Protein change: p.Arg722Gly; replaces arginine 722 with glycine.
Molecular consequence: missense variant.
Genome position (GRCh38, 1-based): chr3:52,402,314, G>C on the plus strand (C>G on the coding strand, the complement: BAP1 is on the minus strand). VCF-style: chr3-52402314-G-C. GRCh37 (hg19) VCF-style: chr3-52436330-G-C.
Other names: c.2110C>G, p.Arg704Gly (NM_001410772.1); short protein forms R722G, R704G.
Identifiers: ClinVar variation 2585677 (VCV002585677.2), dbSNP rs771007826, ClinGen allele CA2436581.

ClinVar aggregate classification (germline): Uncertain significance (1 of 4 stars; one submission).

Conditions:
Hereditary cancer-predisposing syndrome. Also called: Hereditary neoplastic syndrome; Tumor predisposition; Hereditary Cancer Syndrome; Neoplastic Syndromes, Hereditary. Identifiers: Orphanet 140162, MedGen C0027672, MeSH D009386, MONDO:0015356.

Allele frequency attached by ClinVar (database versions not stated): ExAC 0.00002.

Submission:

Ambry Genetics
Classification: Uncertain significance for Hereditary cancer-predisposing syndrome. Last evaluated: 2023-08-02. Review status: criteria provided, single submitter. Criteria: Ambry Variant Classification Scheme 2023. Collection method: clinical testing. Allele origin: germline.
Comment: The p.R722G variant (also known as c.2164C>G), located in coding exon 17 of the BAP1 gene, results from a C to G substitution at nucleotide position 2164. The arginine at codon 722 is replaced by glycine, an amino acid with dissimilar properties. This amino acid position is conserved. In addition, the in silico prediction for this alteration is inconclusive. Since supporting evidence is limited at this time, the clinical significance of this alteration remains unclear.